The following is an entry in ClinVar:

ClinVar aggregate classification (germline): Conflicting classifications of pathogenicity. Review status: criteria provided, conflicting classifications (1 of 4 stars). 4 submissions from 4 submitters: Uncertain significance (2); Likely benign (1). 1 of the submissions does not count toward it. Last evaluated 2026-01-26.

Conditions:
FBN3-related disorder. Also called: FBN3-related condition.

Allele frequency attached by ClinVar (database versions not stated): 1000 Genomes Project 30x 0.00062; 1000 Genomes Project 0.00080; ExAC 0.00142; gnomAD 0.00154 and 0.00156; gnomAD exomes 0.00154 and 0.00213; TOPMed 0.00163; ESP Exome Variant Server 0.00169.
gnomAD v4.1: 3,327 of 1,613,686 alleles (0.21%); highest among the groups gnomAD compares: Non-Finnish European, 0.25%; 4 homozygotes.

Submissions (4):

Labcorp Genetics (formerly Invitae), Labcorp
Classification: Likely benign. Last evaluated: 2026-01-26. Review status: criteria provided, single submitter. Criteria: Invitae Variant Classification Sherloc (09022015). Collection method: clinical testing. Allele origin: germline.

Ambry Genetics
Classification: Uncertain significance. Last evaluated: 2021-06-11. Review status: criteria provided, single submitter. Criteria: Ambry Variant Classification Scheme 2023. Collection method: clinical testing. Allele origin: germline.

CeGaT Center for Human Genetics Tuebingen
Classification: Uncertain significance. Last evaluated: 2017-11-01. Review status: criteria provided, single submitter. Criteria: CeGaT Center For Human Genetics Tuebingen Variant Classification Criteria Version 2. Collection method: clinical testing. Allele origin: germline. Affected: yes. Observed: 1 variant allele.

PreventionGenetics, part of Exact Sciences
Classification: Likely benign for FBN3-related condition. Last evaluated: 2022-02-03. Review status: no assertion criteria provided. Collection method: clinical testing. Allele origin: germline. Not counted in ClinVar's aggregate classification.
Comment: This variant is classified as likely benign based on ACMG/AMP sequence variant interpretation guidelines (Richards et al. 2015 PMID: 25741868, with internal and published modifications).

NM_032447.5(FBN3):c.4847G>A (p.Cys1616Tyr)

Gene: FBN3 (fibrillin 3; minus strand). Cytogenetic location: 19p13.2.
Variant type: single nucleotide variant.
Coding change: c.4847G>A on transcript NM_032447.5 (MANE Select); coding-DNA position 4847, G replaced by A.
Protein change: p.Cys1616Tyr; replaces cysteine 1616 with tyrosine.
Molecular consequence: missense variant.
Genome position (GRCh38, 1-based): chr19:8,103,654, C>T on the plus strand (G>A on the coding strand, the complement: FBN3 is on the minus strand). VCF-style: chr19-8103654-C-T. GRCh37 (hg19) VCF-style: chr19-8168538-C-T.
Other names: c.4847G>A (NM_032447.3, NM_001321431.1); c.4847G>A, p.Cys1616Tyr (NM_001321431.2); short protein forms C1616Y.
Identifiers: ClinVar variation 716372 (VCV000716372.52), dbSNP rs141592778, ClinGen allele CA9151885.